The following is an entry in ClinVar:

ClinVar aggregate classification (germline): Uncertain significance (1 of 4 stars; one submission).

Conditions:
Inborn genetic diseases. Identifiers: MedGen C0950123, MeSH D030342.

Submission:

Ambry Genetics
Classification: Uncertain significance for Inborn genetic diseases. Last evaluated: 2025-03-05. Review status: criteria provided, single submitter. Criteria: Ambry Variant Classification Scheme 2023. Collection method: clinical testing. Allele origin: germline.
Comment: The p.P1107S variant (also known as c.3319C>T), located in coding exon 31 of the RTEL1 gene, results from a C to T substitution at nucleotide position 3319. The proline at codon 1107 is replaced by serine, an amino acid with similar properties. This amino acid position is conserved. In addition, the in silico prediction for this alteration is inconclusive. Based on the available evidence, the clinical significance of this variant remains unclear.

NM_001283009.2(RTEL1):c.3319C>T (p.Pro1107Ser)

Genes: RTEL1 (regulator of telomere elongation helicase 1; plus strand), RTEL1-TNFRSF6B (RTEL1-TNFRSF6B readthrough (NMD candidate); plus strand). Cytogenetic location: 20q13.33.
Variant type: single nucleotide variant.
Coding change: c.3319C>T on transcript NM_001283009.2 (MANE Select); coding-DNA position 3319, C replaced by T.
Protein change: p.Pro1107Ser; replaces proline 1107 with serine.
Molecular consequence: missense variant. On other transcripts: non-coding transcript variant (1).
Genome position (GRCh38, 1-based): chr20:63,694,950, C>T. VCF-style: chr20-63694950-C-T. GRCh37 (hg19) VCF-style: chr20-62326303-C-T.
Other names: c.2650C>T, p.Pro884Ser (NM_001283010.1); c.3319C>T, p.Pro1107Ser (NM_016434.4); c.3391C>T, p.Pro1131Ser (NM_032957.5); short protein forms P884S, P1107S, P1131S.
Identifiers: ClinVar variation 3791199 (VCV003791199.1).
Genomic context (GRCh38, chr20:63,694,950, plus strand): 5'-AAGCAAGACGACGACCTCGACAAGGTGCTGGCTGTGTTGGCCGCCCTGACCACTGCAAAG[C>T]CAGAGGACTTCCCCCTGCTGCACAGCAAGTGGCCCTGGCGTGGGGAACAGCCGGTGGGGT-3'
Protein context (NP_001269938.1, residues 1097-1117): AVLAALTTAK[Pro1107Ser]EDFPLLHRFS